The following is an entry in ClinVar:

NM_182914.3(SYNE2):c.2746G>A (p.Glu916Lys)

Gene: SYNE2 (spectrin repeat containing nuclear envelope protein 2; plus strand). Cytogenetic location: 14q23.2.
Variant type: single nucleotide variant.
Coding change: c.2746G>A on transcript NM_182914.3 (MANE Select); coding-DNA position 2746, G replaced by A.
Protein change: p.Glu916Lys; replaces glutamic acid 916 with lysine.
Molecular consequence: missense variant.
Genome position (GRCh38, 1-based): chr14:63,993,934, G>A. VCF-style: chr14-63993934-G-A. GRCh37 (hg19) VCF-style: chr14-64460652-G-A.
Other names: c.2746G>A, p.Glu916Lys (NM_015180.6); short protein forms E916K.
Identifiers: ClinVar variation 1007049 (VCV001007049.8), dbSNP rs2096690257, ClinGen allele CA389981209.

ClinVar aggregate classification (germline): Uncertain significance (1 of 4 stars; one submission).

Conditions:
Emery-Dreifuss muscular dystrophy 5, autosomal dominant (EDMD5). Also called: EMERY-DREIFUSS MUSCULAR DYSTROPHY 5. Identifiers: Orphanet 261, MedGen C2751805, MONDO:0013072, OMIM 612999.

Submission:

Labcorp Genetics (formerly Invitae), Labcorp
Classification: Uncertain significance for Emery-Dreifuss muscular dystrophy 5, autosomal dominant. Last evaluated: 2020-06-22. Review status: criteria provided, single submitter. Criteria: Invitae Variant Classification Sherloc (09022015). Collection method: clinical testing. Allele origin: germline.
Comment: This sequence change replaces glutamic acid with lysine at codon 916 of the SYNE2 protein (p.Glu916Lys). The glutamic acid residue is moderately conserved and there is a small physicochemical difference between glutamic acid and lysine. This variant is not present in population databases (ExAC no frequency). This variant has not been reported in the literature in individuals with SYNE2-related conditions. Algorithms developed to predict the effect of missense changes on protein structure and function are either unavailable or do not agree on the potential impact of this missense change (SIFT: "Deleterious"; PolyPhen-2: "Probably Damaging"; Align-GVGD: "Class C0"). In summary, the available evidence is currently insufficient to determine the role of this variant in disease. Therefore, it has been classified as a Variant of Uncertain Significance.